The following is an entry in ClinVar:

NM_000625.4(NOS2):c.2892C>G (p.Ala964=)

Gene: NOS2 (nitric oxide synthase 2; minus strand). Cytogenetic location: 17q11.2.
Variant type: single nucleotide variant.
Coding change: c.2892C>G on transcript NM_000625.4 (MANE Select); coding-DNA position 2892, C replaced by G.
Protein change: p.Ala964=; no amino-acid change (alanine 964 retained).
Molecular consequence: synonymous variant.
Genome position (GRCh38, 1-based): chr17:27,760,741, G>C on the plus strand (C>G on the coding strand, the complement: NOS2 is on the minus strand). VCF-style: chr17-27760741-G-C. GRCh37 (hg19) VCF-style: chr17-26087767-G-C.
Identifiers: ClinVar variation 3388138 (VCV003388138.14).

ClinVar aggregate classification (germline): Likely benign (1 of 4 stars; one submission).

gnomAD v4.1: 601 of 1,549,692 alleles (0.039%); highest among the groups gnomAD compares: African/African-American, 0.65%; 5 homozygotes.

Submission:

CeGaT Center for Human Genetics Tuebingen
Classification: Likely benign. Last evaluated: 2024-09-01. Review status: criteria provided, single submitter. Criteria: CeGaT Center For Human Genetics Tuebingen Variant Classification Criteria Version 2. Collection method: clinical testing. Allele origin: germline. Affected: yes. Observed: 1 variant allele.
Comment: NOS2: BP4, BP7